The following is an entry in ClinVar:

NM_052941.5(GBP4):c.1821C>T (p.Leu607=)

Gene: GBP4 (guanylate binding protein 4; minus strand). Cytogenetic location: 1p22.2.
Variant type: single nucleotide variant.
Coding change: c.1821C>T on transcript NM_052941.5 (MANE Select); coding-DNA position 1821, C replaced by T.
Protein change: p.Leu607=; no amino-acid change (leucine 607 retained).
Molecular consequence: synonymous variant.
Genome position (GRCh38, 1-based): chr1:89,185,356, G>A on the plus strand (C>T on the coding strand, the complement: GBP4 is on the minus strand). VCF-style: chr1-89185356-G-A. GRCh37 (hg19) VCF-style: chr1-89651039-G-A.
Identifiers: ClinVar variation 2638922 (VCV002638922.24), dbSNP rs35117143, ClinGen allele CA941353.

ClinVar aggregate classification (germline): Likely benign (1 of 4 stars; one submission).

Allele frequency attached by ClinVar (database versions not stated): gnomAD exomes 0.00004; ExAC 0.00019; gnomAD 0.00025; TOPMed 0.00030; ESP Exome Variant Server 0.00038.
gnomAD v4.1: 260 of 1,610,712 alleles (0.016%); highest among the groups gnomAD compares: East Asian, 0.06%; 17 homozygotes.

Submission:

CeGaT Center for Human Genetics Tuebingen
Classification: Likely benign. Last evaluated: 2023-03-01. Review status: criteria provided, single submitter. Criteria: CeGaT Center For Human Genetics Tuebingen Variant Classification Criteria Version 2. Collection method: clinical testing. Allele origin: germline. Affected: yes. Observed: 1 variant allele.
Comment: GBP4: BP4, BP7